The following is an entry in ClinVar:

ClinVar aggregate classification (germline): Uncertain significance. Review status: criteria provided, multiple submitters, no conflicts (2 of 4 stars). 3 submissions from 3 submitters: Uncertain significance (3). Last evaluated 2024-06-13.

Conditions:
Leber congenital amaurosis 12 (LCA12). Identifiers: Orphanet 65, MedGen C1857743, MONDO:0012525, OMIM 610612.
Inborn genetic diseases. Identifiers: MedGen C0950123, MeSH D030342.

Allele frequency attached by ClinVar (database versions not stated): gnomAD exomes 0.00001 and 0.00002; ExAC 0.00002; TOPMed 0.00003; gnomAD 0.00004 and 0.00005; ESP Exome Variant Server 0.00008; 1000 Genomes Project 0.00020; 1000 Genomes Project 30x 0.00031.
gnomAD v4.1: 20 of 1,614,266 alleles (0.0012%); highest among the groups gnomAD compares: East Asian, 0.011%; no homozygotes.

Submissions (3):

Ambry Genetics
Classification: Uncertain significance for Inborn genetic diseases. Last evaluated: 2024-06-13. Review status: criteria provided, single submitter. Criteria: Ambry Variant Classification Scheme 2023. Collection method: clinical testing. Allele origin: germline.

Labcorp Genetics (formerly Invitae), Labcorp
Classification: Uncertain significance for Leber congenital amaurosis 12. Last evaluated: 2021-08-06. Review status: criteria provided, single submitter. Criteria: Invitae Variant Classification Sherloc (09022015). Collection method: clinical testing. Allele origin: germline.
Comment: This sequence change replaces arginine with glutamine at codon 78 of the RD3 protein (p.Arg78Gln). The arginine residue is highly conserved and there is a small physicochemical difference between arginine and glutamine. This variant is present in population databases (rs199896612, ExAC 0.02%). This variant has not been reported in the literature in individuals affected with RD3-related conditions. ClinVar contains an entry for this variant (Variation ID: 295258). Algorithms developed to predict the effect of missense changes on protein structure and function are either unavailable or do not agree on the potential impact of this missense change (SIFT: "Deleterious"; PolyPhen-2: "Benign"; Align-GVGD: "Class C35"). Algorithms developed to predict the effect of sequence changes on RNA splicing suggest that this variant may create or strengthen a splice site. In summary, the available evidence is currently insufficient to determine the role of this variant in disease. Therefore, it has been classified as a Variant of Uncertain Significance.

Illumina Laboratory Services, Illumina
Classification: Uncertain significance for Leber congenital amaurosis 12. Last evaluated: 2018-01-13. Review status: criteria provided, single submitter. Criteria: ICSL Variant Classification Criteria 13 December 2019. Collection method: clinical testing. Allele origin: germline.

NM_001164688.2(RD3):c.233G>A (p.Arg78Gln)

Gene: RD3 (RD3 regulator of GUCY2D; minus strand). Cytogenetic location: 1q32.3.
Variant type: single nucleotide variant.
Coding change: c.233G>A on transcript NM_001164688.2 (MANE Select); coding-DNA position 233, G replaced by A.
Protein change: p.Arg78Gln; replaces arginine 78 with glutamine.
Molecular consequence: missense variant.
Genome position (GRCh38, 1-based): chr1:211,481,183, C>T on the plus strand (G>A on the coding strand, the complement: RD3 is on the minus strand). VCF-style: chr1-211481183-C-T. GRCh37 (hg19) VCF-style: chr1-211654525-C-T.
Other names: c.233G>A, p.Arg78Gln (NM_183059.3); short protein forms R78Q.
Identifiers: ClinVar variation 295258 (VCV000295258.10), dbSNP rs199896612, ClinGen allele CA1381119.